The following is an entry in ClinVar:

ClinVar aggregate classification (germline): Pathogenic (1 of 4 stars; one submission).

Conditions:
Lipodystrophy - childhood onset.

Submission:

Cambridge Genomics Laboratory, East Genomic Laboratory Hub, NHS Genomic Medicine Service
Classification: Pathogenic for Lipodystrophy - childhood onset. Last evaluated: 2024-11-06. Review status: criteria provided, single submitter. Criteria: ACGS Best Practice Guidelines for Variant Classification in Rare Disease 2020. Collection method: clinical testing. Allele origin: germline. Affected: yes.
Comment: PVS1,PM2_Supporting

NM_005357.4(LIPE):c.235del (p.Gln79fs)

Genes: LIPE-AS1 (LIPE antisense RNA 1; plus strand), LIPE (lipase E, hormone sensitive type; minus strand). Cytogenetic location: 19q13.2.
Variant type: Deletion.
Coding change: c.235del on transcript NM_005357.4 (MANE Select); coding-DNA position 235, one base deleted (C; older notation c.235delC).
Protein change: p.Gln79fs; shifts the reading frame from glutamine 79.
Molecular consequence: frameshift variant.
Genome position (GRCh38, 1-based): chr19:42,426,915, G deleted on the plus strand (C on the coding strand, the reverse complement: LIPE is on the minus strand). VCF-style (leftmost placement, unchanged base first): chr19-42426914-TG-T. GRCh37 (hg19) VCF-style: chr19-42931066-TG-T.
Other names: short protein forms Q79fs.
Identifiers: ClinVar variation 4682134 (VCV004682134.1).